The following is an entry in ClinVar:

ClinVar aggregate classification (germline): Uncertain significance (1 of 4 stars; one submission).

Conditions:
Aicardi-Goutieres syndrome 4. Identifiers: Orphanet 51, MedGen C1835912, MONDO:0012472, OMIM 610333.

gnomAD v4.1: 6 of 1,614,142 alleles (0.00037%); highest among the groups gnomAD compares: Non-Finnish European, 0.00034%; no homozygotes.

Submission:

Labcorp Genetics (formerly Invitae), Labcorp
Classification: Uncertain significance for Aicardi-Goutieres syndrome 4. Last evaluated: 2025-09-23. Review status: criteria provided, single submitter. Criteria: Invitae Variant Classification Sherloc (09022015). Collection method: clinical testing. Allele origin: germline.
Comment: This sequence change replaces aspartic acid, which is acidic and polar, with asparagine, which is neutral and polar, at codon 256 of the RNASEH2A protein (p.Asp256Asn). This variant is present in population databases (rs769772287, gnomAD 0.002%). This variant has not been reported in the literature in individuals affected with RNASEH2A-related conditions. An algorithm developed to predict the effect of missense changes on protein structure and function (PolyPhen-2) suggests that this variant is likely to be disruptive. In summary, the available evidence is currently insufficient to determine the role of this variant in disease. Therefore, it has been classified as a Variant of Uncertain Significance.

NM_006397.3(RNASEH2A):c.766G>A (p.Asp256Asn)

Gene: RNASEH2A (ribonuclease H2 subunit A; plus strand). Cytogenetic location: 19p13.13.
Variant type: single nucleotide variant.
Coding change: c.766G>A on transcript NM_006397.3 (MANE Select); coding-DNA position 766, G replaced by A.
Protein change: p.Asp256Asn; replaces aspartic acid 256 with asparagine.
Molecular consequence: missense variant.
Genome position (GRCh38, 1-based): chr19:12,813,332, G>A. VCF-style: chr19-12813332-G-A. GRCh37 (hg19) VCF-style: chr19-12924146-G-A.
Other names: short protein forms D256N.
Identifiers: ClinVar variation 4697708 (VCV004697708.1).